The following is an entry in ClinVar:

NM_017763.6(RNF43):c.829GAG[1] (p.Glu278del)

Gene: RNF43 (ring finger protein 43; minus strand). Cytogenetic location: 17q22.
Variant type: Microsatellite.
Coding change: c.829GAG[1] on transcript NM_017763.6 (MANE Select); one copy of the 3-base unit GAG starting at c.829; the reference has two copies in a row; one copy, 3 bases deleted.
Protein change: p.Glu278del; deletes glutamic acid 278.
Genome position (GRCh38, 1-based): chr17:58,360,798-58,360,800, CTC deleted on the plus strand (GAG on the coding strand, the reverse complement: RNF43 is on the minus strand); deleting any 3 consecutive bases within chr17:58,360,798-58,360,804 gives the same sequence; the position shown is the placement nearest the transcript's 3' end. VCF-style (leftmost placement, unchanged base first): chr17-58360797-ACTC-A. GRCh37 (hg19) VCF-style: chr17-56438158-ACTC-A.
Other names: c.829GAG[1], p.Glu278del (NM_001305544.3, NM_001438820.1, NM_001438821.1 and 1 more transcripts); c.448GAG[1], p.Glu151del (NM_001305545.2, NM_001437987.1); short protein forms E151del, E278del.
Identifiers: ClinVar variation 4777243 (VCV004777243.1).

ClinVar aggregate classification (germline): Uncertain significance (1 of 4 stars; one submission).

Submission:

Labcorp Genetics (formerly Invitae), Labcorp
Classification: Uncertain significance. Last evaluated: 2025-09-22. Review status: criteria provided, single submitter. Criteria: Invitae Variant Classification Sherloc (09022015). Collection method: clinical testing. Allele origin: germline.
Comment: This variant, c.832_834del, results in the deletion of 1 amino acid(s) of the RNF43 protein (p.Glu278del), but otherwise preserves the integrity of the reading frame. This variant is not present in population databases (gnomAD no frequency). This variant has not been reported in the literature in individuals affected with RNF43-related conditions. Experimental studies and prediction algorithms are not available or were not evaluated, and the functional significance of this variant is currently unknown. In summary, the available evidence is currently insufficient to determine the role of this variant in disease. Therefore, it has been classified as a Variant of Uncertain Significance.